The following is an entry in ClinVar:

NM_001290060.2(SEMA3B):c.79A>C (p.Ser27Arg)

Gene: SEMA3B (semaphorin 3B; plus strand). Cytogenetic location: 3p21.31.
Variant type: single nucleotide variant.
Coding change: c.79A>C on transcript NM_001290060.2 (MANE Select); coding-DNA position 79, A replaced by C.
Protein change: p.Ser27Arg; replaces serine 27 with arginine.
Molecular consequence: missense variant.
Genome position (GRCh38, 1-based): chr3:50,269,319, A>C. VCF-style: chr3-50269319-A-C. GRCh37 (hg19) VCF-style: chr3-50306751-A-C.
Other names: c.79A>C, p.Ser27Arg (NM_001005914.3, NM_001290061.1, NM_001435956.1 and 3 more transcripts); short protein forms S27R.
Identifiers: ClinVar variation 4987342 (VCV004987342.1).

ClinVar aggregate classification (germline): Uncertain significance (1 of 4 stars; one submission).

Conditions:
SEMA3B-related disorder. Also called: SEMA3B-related condition.

gnomAD v4.1: 1 of 1,523,656 alleles (0.000066%); no homozygotes.

Submission:

PreventionGenetics, part of Exact Sciences
Classification: Uncertain significance for SEMA3B-related condition. Last evaluated: 2026-08-21. Review status: criteria provided, single submitter. Criteria: ACMG Guidelines, 2015. Collection method: clinical testing. Allele origin: germline.
Comment: The SEMA3B c.79A>C variant is predicted to result in the amino acid substitution p.Ser27Arg. To our knowledge, this variant has not been reported in the literature or in a large population database (gnomAD), indicating this variant is rare. At this time, the clinical significance of this variant is uncertain due to the absence of conclusive functional and genetic evidence.